The following is an entry in ClinVar:

ClinVar aggregate classification (germline): Uncertain significance. Review status: criteria provided, multiple submitters, no conflicts (2 of 4 stars). 2 submissions from 2 submitters: Uncertain significance (2). Last evaluated 2023-10-16.

Conditions:
Inborn genetic diseases. Identifiers: MedGen C0950123, MeSH D030342.

Allele frequency attached by ClinVar (database versions not stated): gnomAD 0.00001.
gnomAD v4.1: 17 of 1,537,164 alleles (0.0011%); highest among the groups gnomAD compares: Non-Finnish European, 0.0014%; no homozygotes.

Submissions (2):

Ambry Genetics
Classification: Uncertain significance for Inborn genetic diseases. Last evaluated: 2023-10-16. Review status: criteria provided, single submitter. Criteria: Ambry Variant Classification Scheme 2023. Collection method: clinical testing. Allele origin: germline.

Labcorp Genetics (formerly Invitae), Labcorp
Classification: Uncertain significance. Last evaluated: 2020-12-14. Review status: criteria provided, single submitter. Criteria: Invitae Variant Classification Sherloc (09022015). Collection method: clinical testing. Allele origin: germline.
Comment: In summary, the available evidence is currently insufficient to determine the role of this variant in disease. Therefore, it has been classified as a Variant of Uncertain Significance. Algorithms developed to predict the effect of missense changes on protein structure and function are either unavailable or do not agree on the potential impact of this missense change (SIFT: "Not Available"; PolyPhen-2: "Probably Damaging"; Align-GVGD: "Not Available"). This variant has not been reported in the literature in individuals with UNC80-related conditions. This variant is not present in population databases (ExAC no frequency). This sequence change replaces glutamic acid with alanine at codon 779 of the UNC80 protein (p.Glu779Ala). The glutamic acid residue is weakly conserved and there is a moderate physicochemical difference between glutamic acid and alanine.

NM_001371986.1(UNC80):c.2336A>C (p.Glu779Ala)

Gene: UNC80 (unc-80 subunit of NALCN channel complex; plus strand). Cytogenetic location: 2q34.
Variant type: single nucleotide variant.
Coding change: c.2336A>C on transcript NM_001371986.1 (MANE Select); coding-DNA position 2336, A replaced by C.
Protein change: p.Glu779Ala; replaces glutamic acid 779 with alanine.
Molecular consequence: missense variant.
Genome position (GRCh38, 1-based): chr2:209,825,911, A>C. VCF-style: chr2-209825911-A-C. GRCh37 (hg19) VCF-style: chr2-210690635-A-C.
Other names: c.2336A>C, p.Glu779Ala (NM_032504.2, NM_182587.4); c.2336A>C (NM_032504.1); short protein forms E779A.
Identifiers: ClinVar variation 1429558 (VCV001429558.7), dbSNP rs1277176687, ClinGen allele CA350137179.